The following is an entry in ClinVar:

ClinVar aggregate classification (germline): Pathogenic. Review status: criteria provided, multiple submitters, no conflicts (2 of 4 stars). 2 submissions from 2 submitters: Pathogenic (2). Last evaluated 2025-11-17.

Conditions:
Hypertrophic cardiomyopathy 4. Also called: Familial hypertrophic cardiomyopathy 4. Identifiers: MedGen C1861862, MONDO:0007268, OMIM 115197.
Left ventricular noncompaction 10 (LVNC10). Identifiers: Orphanet 154, Orphanet 54260, MedGen C3715165, MONDO:0014163, OMIM 615396.
Hypertrophic cardiomyopathy. Also called: HYPERTROPHIC MYOCARDIOPATHY. Identifiers: Orphanet 217569, MedGen C0007194, MeSH D002312, MONDO:0005045, HP:0001639.

Submissions (2):

Human Genetics Bochum, Ruhr University Bochum
Classification: Pathogenic for Hypertrophic cardiomyopathy 4; Left ventricular noncompaction 10. Last evaluated: 2025-11-17. Review status: criteria provided, single submitter. Criteria: ACMG Guidelines, 2015. Collection method: clinical testing. Allele origin: germline. Affected: yes.
Comment: ACMG criteria used to clasify this variant: PVS1, PS4_SUP, PM2_SUP

Labcorp Genetics (formerly Invitae), Labcorp
Classification: Pathogenic for Hypertrophic cardiomyopathy. Last evaluated: 2025-11-09. Review status: criteria provided, single submitter. Criteria: Invitae Variant Classification Sherloc (09022015). Collection method: clinical testing. Allele origin: germline.
Comment: This sequence change creates a premature translational stop signal (p.Glu744Metfs*9) in the MYBPC3 gene. It is expected to result in an absent or disrupted protein product. Loss-of-function variants in MYBPC3 are known to be pathogenic (PMID: 19574547). This variant is not present in population databases (gnomAD no frequency). This variant has not been reported in the literature in individuals affected with MYBPC3-related conditions. ClinVar contains an entry for this variant (Variation ID: 2132282). For these reasons, this variant has been classified as Pathogenic.

Literature cited by the submitters: PubMed 19574547 (cited by Labcorp Genetics (formerly Invitae), Labcorp).

NM_000256.3(MYBPC3):c.2230_2233del (p.Glu744fs)

Gene: MYBPC3 (myosin binding protein C3; minus strand). Cytogenetic location: 11p11.2.
Variant type: Microsatellite.
Coding change: c.2230_2233del on transcript NM_000256.3 (MANE Select); coding-DNA positions 2230 to 2233, 4 bases deleted (GAAG; older notation c.2230_2233delGAAG).
Protein change: p.Glu744fs; shifts the reading frame from glutamic acid 744.
Molecular consequence: frameshift variant.
Genome position (GRCh38, 1-based): chr11:47,338,595-47,338,598, CTTC deleted on the plus strand (GAAG on the coding strand, the reverse complement: MYBPC3 is on the minus strand); deleting any 4 consecutive bases within chr11:47,338,595-47,338,602 gives the same sequence; the c. name uses the placement nearest the transcript's 3' end. VCF-style (leftmost placement, unchanged base first): chr11-47338594-TCTTC-T. GRCh37 (hg19) VCF-style: chr11-47360145-TCTTC-T.
Other names: short protein forms E744fs.
Identifiers: ClinVar variation 2132282 (VCV002132282.5), dbSNP rs2495752429, ClinGen allele CA2580615675.